The following is an entry in ClinVar:

NM_004560.4(ROR2):c.1715C>T (p.Ser572Leu)

Gene: ROR2 (receptor tyrosine kinase like orphan receptor 2; minus strand). Cytogenetic location: 9q22.31.
Variant type: single nucleotide variant.
Coding change: c.1715C>T on transcript NM_004560.4 (MANE Select); coding-DNA position 1715, C replaced by T.
Protein change: p.Ser572Leu; replaces serine 572 with leucine.
Molecular consequence: missense variant.
Genome position (GRCh38, 1-based): chr9:91,724,779, G>A on the plus strand (C>T on the coding strand, the complement: ROR2 is on the minus strand). VCF-style: chr9-91724779-G-A. GRCh37 (hg19) VCF-style: chr9-94487061-G-A.
Other names: c.1715C>T (NM_004560.3); short protein forms S572L.
Identifiers: ClinVar variation 1362496 (VCV001362496.8), dbSNP rs1468411890, ClinGen allele CA373797723.

ClinVar aggregate classification (germline): Uncertain significance. Review status: criteria provided, multiple submitters, no conflicts (2 of 4 stars). 3 submissions from 3 submitters: Uncertain significance (3). Last evaluated 2025-01-23.

Conditions:
Inborn genetic diseases. Identifiers: MedGen C0950123, MeSH D030342.
Brachydactyly type B1 (BDB1). Identifiers: Orphanet 572385, Orphanet 93383, MedGen C1862112, MONDO:0007220, OMIM 113000.
Autosomal recessive Robinow syndrome (RRS1). Also called: ROR2-Related Robinow Syndrome; COSTOVERTEBRAL SEGMENTATION DEFECT WITH MESOMELIA; COVESDEM SYNDROME; ROBINOW SYNDROME, AUTOSOMAL RECESSIVE 1. Identifiers: Orphanet 1507, Orphanet 97360, MedGen C5399974, MONDO:0009999, OMIM 268310.

Allele frequency attached by ClinVar (database versions not stated): gnomAD exomes 0.00001; TOPMed 0.00002.

Submissions (3):

Ambry Genetics
Classification: Uncertain significance for Inborn genetic diseases. Last evaluated: 2025-01-23. Review status: criteria provided, single submitter. Criteria: Ambry Variant Classification Scheme 2023. Collection method: clinical testing. Allele origin: germline.

Fulgent Genetics
Classification: Uncertain significance for Brachydactyly type B1; Autosomal recessive Robinow syndrome. Last evaluated: 2024-06-17. Review status: criteria provided, single submitter. Criteria: ACMG Guidelines, 2015. Collection method: clinical testing. Allele origin: germline.

Labcorp Genetics (formerly Invitae), Labcorp
Classification: Uncertain significance. Last evaluated: 2021-08-15. Review status: criteria provided, single submitter. Criteria: Invitae Variant Classification Sherloc (09022015). Collection method: clinical testing. Allele origin: germline.
Comment: Advanced modeling of protein sequence and biophysical properties (such as structural, functional, and spatial information, amino acid conservation, physicochemical variation, residue mobility, and thermodynamic stability) performed at Invitae indicates that this missense variant is not expected to disrupt ROR2 protein function. This variant has not been reported in the literature in individuals affected with ROR2-related conditions. This variant is not present in population databases (ExAC no frequency). This sequence change replaces serine with leucine at codon 572 of the ROR2 protein (p.Ser572Leu). The serine residue is highly conserved and there is a large physicochemical difference between serine and leucine. In summary, the available evidence is currently insufficient to determine the role of this variant in disease. Therefore, it has been classified as a Variant of Uncertain Significance.